The following is an entry in ClinVar:

ClinVar aggregate classification (germline): Uncertain significance (1 of 4 stars; one submission).

Conditions:
Primary ciliary dyskinesia 28. Also called: CILIARY DYSKINESIA, PRIMARY, 28, WITH OR WITHOUT SITUS INVERSUS. Identifiers: Orphanet 244, MedGen C3809706, MONDO:0014216, OMIM 615505.

Allele frequency attached by ClinVar (database versions not stated): gnomAD exomes below 0.00001 and 0.00001; TOPMed below 0.00001; ExAC 0.00001.
gnomAD v4.1: 5 of 1,613,354 alleles (0.00031%); highest among the groups gnomAD compares: East Asian, 0.0045%; no homozygotes.

Submission:

Labcorp Genetics (formerly Invitae), Labcorp
Classification: Uncertain significance for Primary ciliary dyskinesia 28. Last evaluated: 2021-08-31. Review status: criteria provided, single submitter. Criteria: Invitae Variant Classification Sherloc (09022015). Collection method: clinical testing. Allele origin: germline.
Comment: This sequence change replaces aspartic acid with glycine at codon 304 of the SPAG1 protein (p.Asp304Gly). The aspartic acid residue is weakly conserved and there is a moderate physicochemical difference between aspartic acid and glycine. This variant is present in population databases (rs746323609, ExAC 0.006%). This variant has not been reported in the literature in individuals affected with SPAG1-related conditions. Algorithms developed to predict the effect of missense changes on protein structure and function (SIFT, PolyPhen-2, Align-GVGD) all suggest that this variant is likely to be tolerated. In summary, the available evidence is currently insufficient to determine the role of this variant in disease. Therefore, it has been classified as a Variant of Uncertain Significance.

NM_003114.5(SPAG1):c.911A>G (p.Asp304Gly)

Gene: SPAG1 (sperm associated antigen 1; plus strand). Cytogenetic location: 8q22.2.
Variant type: single nucleotide variant.
Coding change: c.911A>G on transcript NM_003114.5 (MANE Select); coding-DNA position 911, A replaced by G.
Protein change: p.Asp304Gly; replaces aspartic acid 304 with glycine.
Molecular consequence: missense variant.
Genome position (GRCh38, 1-based): chr8:100,191,468, A>G. VCF-style: chr8-100191468-A-G. GRCh37 (hg19) VCF-style: chr8-101203696-A-G.
Other names: c.911A>G, p.Asp304Gly (NM_001374321.1, NM_172218.3); short protein forms D304G.
Identifiers: ClinVar variation 1438839 (VCV001438839.5), dbSNP rs746323609, ClinGen allele CA4827399.